The following is an entry in ClinVar:

NM_001257096.2(PAX1):c.827C>T (p.Thr276Met)

Gene: PAX1 (paired box 1; plus strand). Cytogenetic location: 20p11.22.
Variant type: single nucleotide variant.
Coding change: c.827C>T on transcript NM_001257096.2 (MANE Select); coding-DNA position 827, C replaced by T.
Protein change: p.Thr276Met; replaces threonine 276 with methionine.
Molecular consequence: missense variant.
Genome position (GRCh38, 1-based): chr20:21,706,978, C>T. VCF-style: chr20-21706978-C-T. GRCh37 (hg19) VCF-style: chr20-21687616-C-T.
Other names: c.827C>T, p.Thr276Met (NM_006192.5); short protein forms T276M.
Identifiers: ClinVar variation 2109310 (VCV002109310.4), dbSNP rs915178134, ClinGen allele CA313027480.

ClinVar aggregate classification (germline): Uncertain significance (1 of 4 stars; one submission).

Allele frequency attached by ClinVar (database versions not stated): gnomAD exomes 0.00001.

Submission:

Labcorp Genetics (formerly Invitae), Labcorp
Classification: Uncertain significance. Last evaluated: 2023-06-29. Review status: criteria provided, single submitter. Criteria: Invitae Variant Classification Sherloc (09022015). Collection method: clinical testing. Allele origin: germline.
Comment: ClinVar contains an entry for this variant (Variation ID: 2109310). This variant has not been reported in the literature in individuals affected with PAX1-related conditions. This variant is not present in population databases (gnomAD no frequency). This sequence change replaces threonine, which is neutral and polar, with methionine, which is neutral and non-polar, at codon 276 of the PAX1 protein (p.Thr276Met). Advanced modeling of protein sequence and biophysical properties (such as structural, functional, and spatial information, amino acid conservation, physicochemical variation, residue mobility, and thermodynamic stability) performed at Invitae indicates that this missense variant is not expected to disrupt PAX1 protein function. In summary, the available evidence is currently insufficient to determine the role of this variant in disease. Therefore, it has been classified as a Variant of Uncertain Significance.